The following is an entry in ClinVar:

NM_024675.4(PALB2):c.3550C>T (p.His1184Tyr)

Gene: PALB2 (partner and localizer of BRCA2; minus strand). Cytogenetic location: 16p12.2.
Variant type: single nucleotide variant.
Coding change: c.3550C>T on transcript NM_024675.4 (MANE Select); coding-DNA position 3550, C replaced by T.
Protein change: p.His1184Tyr; replaces histidine 1184 with tyrosine.
Molecular consequence: missense variant.
Genome position (GRCh38, 1-based): chr16:23,603,470, G>A on the plus strand (C>T on the coding strand, the complement: PALB2 is on the minus strand). VCF-style: chr16-23603470-G-A. GRCh37 (hg19) VCF-style: chr16-23614791-G-A.
Other names: short protein forms H1184Y.
Identifiers: ClinVar variation 823914 (VCV000823914.5), dbSNP rs770692850, ClinGen allele CA7963326.

ClinVar aggregate classification (germline): Uncertain significance (1 of 4 stars; one submission).

Conditions:
Hereditary cancer-predisposing syndrome. Also called: Neoplastic Syndromes, Hereditary; Tumor predisposition; Hereditary neoplastic syndrome; Hereditary Cancer Syndrome. Identifiers: Orphanet 140162, MedGen C0027672, MeSH D009386, MONDO:0015356.

Allele frequency attached by ClinVar (database versions not stated): gnomAD exomes below 0.00001; ExAC 0.00001.
gnomAD v4.1: 1 of 1,612,020 alleles (0.000062%); highest among the groups gnomAD compares: Non-Finnish European, 0.000085%; no homozygotes.

Submission:

Ambry Genetics
Classification: Uncertain significance for Hereditary cancer-predisposing syndrome. Last evaluated: 2025-11-25. Review status: criteria provided, single submitter. Criteria: Ambry Variant Classification Scheme 2023. Collection method: clinical testing. Allele origin: germline.
Comment: The p.H1184Y variant (also known as c.3550C>T), located in coding exon 13 of the PALB2 gene, results from a C to T substitution at nucleotide position 3550. The histidine at codon 1184 is replaced by tyrosine, an amino acid with similar properties. This amino acid position is poorly conserved in available vertebrate species. In addition, this alteration is predicted to be tolerated by in silico analysis. Since supporting evidence is limited at this time, the clinical significance of this alteration remains unclear.